The following is an entry in ClinVar:

NM_019098.5(CNGB3):c.1258_1277del (p.Ile420fs)

Gene: CNGB3 (cyclic nucleotide gated channel subunit beta 3; minus strand). Cytogenetic location: 8q21.3.
Variant type: Deletion.
Coding change: c.1258_1277del on transcript NM_019098.5 (MANE Select); coding-DNA positions 1258 to 1277, 20 bases deleted (ATTGTTTTTCAACTCTTGAA).
Protein change: p.Ile420fs; shifts the reading frame from isoleucine 420.
Molecular consequence: frameshift variant.
Genome position (GRCh38, 1-based): chr8:86,632,795-86,632,814, TTCAAGAGTTGAAAAACAAT deleted on the plus strand (ATTGTTTTTCAACTCTTGAA on the coding strand, the reverse complement: CNGB3 is on the minus strand); deleting any 20 consecutive bases within chr8:86,632,795-86,632,819 gives the same sequence; the c. name uses the placement nearest the transcript's 3' end. VCF-style (leftmost placement, unchanged base first): chr8-86632794-ATTCAAGAGTTGAAAAACAAT-A. GRCh37 (hg19) VCF-style: chr8-87645022-ATTCAAGAGTTGAAAAACAAT-A.
Other names: c.1258_1277delATTGTTTTTCAACTCTTGAA (NM_019098.4); short protein forms I420fs.
Identifiers: ClinVar variation 2005067 (VCV002005067.7), dbSNP rs2538086825, ClinGen allele CA2580078978.

ClinVar aggregate classification (germline): Pathogenic/Likely pathogenic. Review status: criteria provided, multiple submitters, no conflicts (2 of 4 stars). 3 submissions from 3 submitters: Pathogenic (2); Likely pathogenic (1). Last evaluated 2025-03-17.

Conditions:
CNGB3-related disorder. Also called: CNGB3-related disorders; CNGB3-related condition. Identifiers: MedGen CN239340.
Achromatopsia. Also called: Rod monochromatism. Identifiers: Orphanet 49382, MedGen C0152200, MONDO:0018852, HP:0011516.

Submissions (3):

Natera, Inc.
Classification: Pathogenic for Achromatopsia. Last evaluated: 2025-03-17. Review status: criteria provided, single submitter. Criteria: Natera Variant Classification Schema (03/2026). Collection method: clinical testing. Allele origin: germline.
Comment: The c.1258_1277delATTGTTTTTCAACTCTTGAA variant in CNGB3 is a frameshift variant predicted to shift the reading frame beginning at codon 420 and leads to a stop codon 35 codons downstream. This variant is expected to result in nonsense mediated decay, truncation, or a dysfunctional protein product. This variant is rare in the general population with a frequency below the threshold expected for the associated phenotype(s). This variant has been observed in one or more individuals affected with the associated recessive disease, as either homozygous or compound heterozygous with a second variant (PMID: 36833446). Given the available evidence, this variant is classified as Pathogenic.

Labcorp Genetics (formerly Invitae), Labcorp
Classification: Pathogenic. Last evaluated: 2022-06-22. Review status: criteria provided, single submitter. Criteria: Invitae Variant Classification Sherloc (09022015). Collection method: clinical testing. Allele origin: germline.
Comment: For these reasons, this variant has been classified as Pathogenic. This variant has not been reported in the literature in individuals affected with CNGB3-related conditions. This variant is not present in population databases (gnomAD no frequency). This sequence change creates a premature translational stop signal (p.Ile420Phefs*35) in the CNGB3 gene. It is expected to result in an absent or disrupted protein product. Loss-of-function variants in CNGB3 are known to be pathogenic (PMID: 28795510).

Blueprint Genetics
Classification: Likely pathogenic for CNGB3-related disorders. Last evaluated: 2019-04-24. Review status: criteria provided, single submitter. Criteria: ACMG Guidelines, 2015. Collection method: clinical testing. Allele origin: germline. Affected: yes. Observed: 2 variant alleles.

Literature cited by the submitters: PubMed 36833446 (cited by Natera, Inc.); PubMed 28795510 (cited by Labcorp Genetics (formerly Invitae), Labcorp).